The following is an entry in ClinVar:

NM_002615.7(SERPINF1):c.687G>C (p.Glu229Asp)

Gene: SERPINF1 (serpin family F member 1; plus strand). Cytogenetic location: 17p13.3.
Variant type: single nucleotide variant.
Coding change: c.687G>C on transcript NM_002615.7 (MANE Select); coding-DNA position 687, G replaced by C.
Protein change: p.Glu229Asp; replaces glutamic acid 229 with aspartic acid.
Molecular consequence: missense variant.
Genome position (GRCh38, 1-based): chr17:1,775,101, G>C. VCF-style: chr17-1775101-G-C. GRCh37 (hg19) VCF-style: chr17-1678395-G-C.
Other names: c.687G>C, p.Glu229Asp (NM_001329903.2); c.126G>C, p.Glu42Asp (NM_001329904.2, NM_001329905.2); c.687G>C (NM_002615.5); short protein forms E229D, E42D.
Identifiers: ClinVar variation 2093087 (VCV002093087.5), dbSNP rs1452118117, ClinGen allele CA397588824.

ClinVar aggregate classification (germline): Uncertain significance. Review status: criteria provided, multiple submitters, no conflicts (2 of 4 stars). 2 submissions from 2 submitters: Uncertain significance (2). Last evaluated 2025-01-29.

Conditions:
Inborn genetic diseases. Identifiers: MedGen C0950123, MeSH D030342.

Allele frequency attached by ClinVar (database versions not stated): gnomAD 0.00003; TOPMed 0.00003.
gnomAD v4.1: 7 of 1,613,966 alleles (0.00043%); highest among the groups gnomAD compares: Admixed American, 0.005%; no homozygotes.

Submissions (2):

Ambry Genetics
Classification: Uncertain significance for Inborn genetic diseases. Last evaluated: 2025-01-29. Review status: criteria provided, single submitter. Criteria: Ambry Variant Classification Scheme 2023. Collection method: clinical testing. Allele origin: germline.

Labcorp Genetics (formerly Invitae), Labcorp
Classification: Uncertain significance. Last evaluated: 2022-02-04. Review status: criteria provided, single submitter. Criteria: Invitae Variant Classification Sherloc (09022015). Collection method: clinical testing. Allele origin: germline.
Comment: In summary, the available evidence is currently insufficient to determine the role of this variant in disease. Therefore, it has been classified as a Variant of Uncertain Significance. Algorithms developed to predict the effect of missense changes on protein structure and function output the following: SIFT: "Not Available"; PolyPhen-2: "Benign"; Align-GVGD: "Not Available". The aspartic acid amino acid residue is found in multiple mammalian species, which suggests that this missense change does not adversely affect protein function. This sequence change replaces glutamic acid, which is acidic and polar, with aspartic acid, which is acidic and polar, at codon 229 of the SERPINF1 protein (p.Glu229Asp). This variant has not been reported in the literature in individuals affected with SERPINF1-related conditions. This variant is not present in population databases (gnomAD no frequency).